The following is an entry in ClinVar:

ClinVar aggregate classification (germline): Conflicting classifications of pathogenicity. Review status: criteria provided, conflicting classifications (1 of 4 stars). 7 submissions from 7 submitters: Uncertain significance (5); Likely benign (2). Last evaluated 2025-08-04.

Conditions:
PTCH1-related disorder. Also called: PTCH1-related disorders; PTCH1-related condition.
Gorlin syndrome. Also called: Nevoid Basal Cell Carcinoma Syndrome; Basal cell nevus syndrome. Identifiers: Orphanet 377, MedGen C0004779, MONDO:0007187.
Basal cell carcinoma, susceptibility to, 1. Also called: BCC1. Identifiers: MedGen C2751544, MONDO:0011556, OMIM 605462.
Holoprosencephaly 7 (HPE7). Identifiers: Orphanet 2162, MedGen C1835820, MONDO:0012562, OMIM 610828.

Allele frequency attached by ClinVar (database versions not stated): 1000 Genomes Project 0.00020; gnomAD exomes 0.00004 and 0.00005; 1000 Genomes Project 30x 0.00031; ExAC 0.00005.
gnomAD v4.1: 79 of 1,611,148 alleles (0.0049%); highest among the groups gnomAD compares: Middle Eastern, 0.066%; no homozygotes.

Submissions (7):

Dasa
Classification: Uncertain significance. Last evaluated: 2025-08-04. Review status: criteria provided, single submitter. Criteria: DASA Assertion Criteria. Collection method: clinical testing. Allele origin: germline.
Comment: NM_001083603.3(PTCH1):c.157G>C (p.Glu53Gln) is a missense variant that results in the substitution of glutamic acid with glutamine. This variant is rare in population databases. The currently available literature and clinical evidence are not sufficient to establish a definitive association between this variant and the reported condition. Therefore, this variant is classified as a variant of uncertain significance.

PreventionGenetics, part of Exact Sciences
Classification: Uncertain significance for PTCH1-related condition. Last evaluated: 2025-07-29. Review status: criteria provided, single submitter. Criteria: ACMG Guidelines, 2015. Collection method: clinical testing. Allele origin: germline.
Comment: The PTCH1 c.157G>C variant is predicted to result in the amino acid substitution p.Glu53Gln. In an alternate transcript NM_000264, this variant is referred to as c.-8303G>C (Pre-Coding). To our knowledge, this variant has not been reported in the literature. This variant is reported in 0.0066% of alleles in individuals of South Asian descent in gnomAD. At this time, the clinical significance of this variant is uncertain due to the absence of conclusive functional and genetic evidence.

Blueprint Genetics
Classification: Likely benign. Last evaluated: 2024-08-30. Review status: criteria provided, single submitter. Criteria: ACMG Guidelines, 2015. Collection method: clinical testing. Allele origin: germline.

CeGaT Center for Human Genetics Tuebingen
Classification: Likely benign. Last evaluated: 2023-08-01. Review status: criteria provided, single submitter. Criteria: CeGaT Center For Human Genetics Tuebingen Variant Classification Criteria Version 2. Collection method: clinical testing. Allele origin: germline. Affected: yes. Observed: 1 variant allele.
Comment: PTCH1: BP4

St. Jude Molecular Pathology, St. Jude Children's Research Hospital
Classification: Uncertain significance for Basal cell nevus syndrome 1. Last evaluated: 2022-01-14. Review status: criteria provided, single submitter. Criteria: St. Jude Assertion Criteria 2020. Collection method: clinical testing. Allele origin: germline.
Comment: The PTCH1 c.157G>C (p.Glu53Gln) missense change has a maximum subpopulation frequency of 0.006% in gnomAD v2.1.1. Sic of seven in silico tools predict a benign effect of this variant on protein function (BP4), but these predictions have not been confirmed by functional studies. To our knowledge, this variant has not been reported in individuals with Gorlin syndrome. In summary, this variant meets criteria to be classified as of uncertain significance based on the ACMG/AMP criteria: BP4.

Fulgent Genetics
Classification: Uncertain significance for Basal cell nevus syndrome 1; Basal cell carcinoma, susceptibility to, 1; Holoprosencephaly 7. Last evaluated: 2021-09-09. Review status: criteria provided, single submitter. Criteria: ACMG Guidelines, 2015. Collection method: clinical testing. Allele origin: unknown.

Breakthrough Genomics
Classification: Uncertain significance. Review status: criteria provided, single submitter. Criteria: ACMG Guidelines, 2015. Collection method: not provided. Allele origin: germline. Inheritance: Autosomal recessive inheritance. Affected: yes.

NM_001083603.3(PTCH1):c.157G>C (p.Glu53Gln)

Gene: PTCH1 (patched 1; minus strand). Cytogenetic location: 9q22.32.
Variant type: single nucleotide variant.
Coding change: c.157G>C on transcript NM_001083603.3 (MANE Plus Clinical); coding-DNA position 157, G replaced by C.
Protein change: p.Glu53Gln; replaces glutamic acid 53 with glutamine.
Molecular consequence: missense variant. On other transcripts: 5 prime UTR variant (2).
Genome position (GRCh38, 1-based): chr9:95,516,664, C>G on the plus strand (G>C on the coding strand, the complement: PTCH1 is on the minus strand). VCF-style: chr9-95516664-C-G. GRCh37 (hg19) VCF-style: chr9-98278946-C-G.
Other names: c.-193G>C (NM_001354919.2, NM_001083602.3); short protein forms E53Q.
Identifiers: ClinVar variation 1691518 (VCV001691518.32), dbSNP rs185570125, ClinGen allele CA5139095.
Genomic context (GRCh38, chr9:95,516,664, plus strand): 5'-TCCCTCGTCTCCCCCTTGCCTTGTCGCTGCGGGTCTCTTTGTCTCCCCTGTCGTCTTTTT[C>G]TTCTCCTCCGTTTTCTTCTTCTTCTTCTCCTCCTCCTCCGTCTTTACAAAAGGAACGGAA-3'
Protein context (NP_001077072.1, residues 43-63): GEEEEENGGE[Glu53Gln]KDDRGDKETR